The following is an entry in ClinVar:

NM_000400.4(ERCC2):c.699C>G (p.Phe233Leu)

Gene: ERCC2 (ERCC excision repair 2, TFIIH core complex helicase subunit; minus strand). Cytogenetic location: 19q13.32.
Variant type: single nucleotide variant.
Coding change: c.699C>G on transcript NM_000400.4 (MANE Select); coding-DNA position 699, C replaced by G.
Protein change: p.Phe233Leu; replaces phenylalanine 233 with leucine.
Molecular consequence: missense variant.
Genome position (GRCh38, 1-based): chr19:45,364,443, G>C on the plus strand (C>G on the coding strand, the complement: ERCC2 is on the minus strand). VCF-style: chr19-45364443-G-C. GRCh37 (hg19) VCF-style: chr19-45867701-G-C.
Other names: c.627C>G, p.Phe209Leu (NM_001130867.2); short protein forms F233L, F209L.
Identifiers: ClinVar variation 3509831 (VCV003509831.1).

ClinVar aggregate classification (germline): Uncertain significance (1 of 4 stars; one submission).

Conditions:
Inborn genetic diseases. Identifiers: MedGen C0950123, MeSH D030342.

Submission:

Ambry Genetics
Classification: Uncertain significance for Inborn genetic diseases. Last evaluated: 2024-07-17. Review status: criteria provided, single submitter. Criteria: Ambry Variant Classification Scheme 2023. Collection method: clinical testing. Allele origin: germline.
Comment: The p.F233L variant (also known as c.699C>G), located in coding exon 8 of the ERCC2 gene, results from a C to G substitution at nucleotide position 699. The phenylalanine at codon 233 is replaced by leucine, an amino acid with highly similar properties. This amino acid position is conserved. In addition, this alteration is predicted to be deleterious by in silico analysis. Based on the available evidence, the clinical significance of this variant remains unclear.